The following is an entry in ClinVar:

NM_000548.5(TSC2):c.3670A>C (p.Asn1224His)

Gene: TSC2 (TSC complex subunit 2; plus strand). Cytogenetic location: 16p13.3.
Variant type: single nucleotide variant.
Coding change: c.3670A>C on transcript NM_000548.5 (MANE Select); coding-DNA position 3670, A replaced by C.
Protein change: p.Asn1224His; replaces asparagine 1224 with histidine.
Molecular consequence: missense variant. On other transcripts: non-coding transcript variant (5).
Genome position (GRCh38, 1-based): chr16:2,081,654, A>C. VCF-style: chr16-2081654-A-C. GRCh37 (hg19) VCF-style: chr16-2131655-A-C.
Other names: c.3538A>C, p.Asn1180His (NM_001077183.3, NM_001370404.1, NM_001406665.1); c.3670A>C, p.Asn1224His (NM_001114382.3); c.3430A>C, p.Asn1144His (NM_001318827.2); c.3394A>C, p.Asn1132His (NM_001318829.2); c.2938A>C, p.Asn980His (NM_001318831.2, NM_001406687.1, NM_001406688.1); c.3571A>C, p.Asn1191His (NM_001318832.2); c.3541A>C, p.Asn1181His (NM_001363528.2, NM_021055.3, NM_001370405.1); c.3523A>C, p.Asn1175His (NM_001406675.1); and 18 more; short protein forms N1144H, N1161H, N1175H, N1210H, N1223H, N1224H, N733H, N981H.
Identifiers: ClinVar variation 2759180 (VCV002759180.3), dbSNP rs2544155221, ClinGen allele CA394292189.
Genomic context (GRCh38, chr16:2,081,654, plus strand): 5'-GGGAACACCAGCTGGCTGATGAGCCTGGAGAACCCGCTCAGCCCTTTCTCCTCGGACATC[A>C]ACAACATGCCCCTGCAGGAGCTGTCTAACGCCCTCATGGCGGCTGAGCGCTTCAAGGAGC-3'
Protein context (NP_000539.2, residues 1214-1234): NPLSPFSSDI[Asn1224His]NMPLQELSNA

ClinVar aggregate classification (germline): Uncertain significance (1 of 4 stars; one submission).

Conditions:
Tuberous sclerosis 2 (TSC2). Identifiers: Orphanet 805, MedGen C1860707, MONDO:0013199, OMIM 613254.

Submission:

Labcorp Genetics (formerly Invitae), Labcorp
Classification: Uncertain significance for Tuberous sclerosis 2. Last evaluated: 2023-09-18. Review status: criteria provided, single submitter. Criteria: Invitae Variant Classification Sherloc (09022015). Collection method: clinical testing. Allele origin: germline.
Comment: This sequence change replaces asparagine, which is neutral and polar, with histidine, which is basic and polar, at codon 1224 of the TSC2 protein (p.Asn1224His). This variant is not present in population databases (gnomAD no frequency). This variant has not been reported in the literature in individuals affected with TSC2-related conditions. Advanced modeling of protein sequence and biophysical properties (such as structural, functional, and spatial information, amino acid conservation, physicochemical variation, residue mobility, and thermodynamic stability) performed at Invitae indicates that this missense variant is not expected to disrupt TSC2 protein function. In summary, the available evidence is currently insufficient to determine the role of this variant in disease. Therefore, it has been classified as a Variant of Uncertain Significance.